The following is an entry in ClinVar:

NM_000202.8(IDS):c.1270_1271del (p.Val424fs)

Gene: IDS (iduronate 2-sulfatase; minus strand). Cytogenetic location: Xq28.
Variant type: Deletion.
Coding change: c.1270_1271del on transcript NM_000202.8 (MANE Select); coding-DNA positions 1270 to 1271, 2 bases deleted (GT; older notation c.1270_1271delGT).
Protein change: p.Val424fs; shifts the reading frame from valine 424.
Molecular consequence: frameshift variant.
Genome position (GRCh38, 1-based): chrX:149,483,128-149,483,129, AC deleted on the plus strand (GT on the coding strand, the reverse complement: IDS is on the minus strand). VCF-style (leftmost placement, unchanged base first): chrX-149483127-AAC-A. GRCh37 (hg19) VCF-style: chrX-148564658-AAC-A.
Other names: c.1000_1001del, p.Val334fs (NM_001166550.4); short protein forms V334fs, V424fs.
Identifiers: ClinVar variation 3256010 (VCV003256010.2).
Genomic context (GRCh38, chrX:149,483,127, plus strand): 5'-GAATCGAAAATGCTTCAGAAGGTTCTTGCCTTCTCTGCACAGCTCAACGTGAAATGAAGG[AAC>A]GGGGCAGCGAGGTGGAACCTGCAGTCCTGCAAGTCCAGCCAGCGTGGGAAAAAGAGACAC-3'

ClinVar aggregate classification (germline): Likely pathogenic (1 of 4 stars; one submission).

Conditions:
Mucopolysaccharidosis, MPS-II (MPS2). Also called: Hunter Syndrome; IDURONATE 2-SULFATASE DEFICIENCY; Mucopolysaccharidosis Type II; Mucopolysaccharidosis type 2; Attenuated MPS (subtype; formerly known as mild MPS II); Severe MPS II. Identifiers: Orphanet 580, Orphanet 79388, MedGen C0026705, MONDO:0010674, OMIM 309900.

Submission:

Laboratory of Diagnosis and Therapy of Lysosomal Disorders, University of Padova
Classification: Likely pathogenic for Mucopolysaccharidosis, MPS-II. Last evaluated: 2024-06-07. Review status: criteria provided, single submitter. Criteria: ACMG Guidelines, 2015. Collection method: literature only. Allele origin: germline. Affected: yes. Observed: 1 variant allele.
Comment: Null variant (PVS1_Strong), Absent from controls (or at low frequency) in gnomAD database (PM2_Moderate), Patient’s phenotype or family history highly specific for the disease (PP4_Moderate)

Classification method: ACMG Guidelines [PMID:25741868] with modifications

Literature cited by the submitters: PubMed 34670126.